The following is an entry in ClinVar:

GRCh37/hg19 3p25.3(chr3:9501646-9991928)x4

Genes: IL17RE (interleukin 17 receptor E; plus strand), PRRT3 (proline rich transmembrane protein 3; minus strand), JAGN1 (jagunal vesicle mediated transporter 1; plus strand), LHFPL4 (LHFPL tetraspan subfamily member 4; minus strand), MTMR14 (myotubularin related protein 14; plus strand) and 13 more. Cytogenetic location: 3p25.3.
Variant type: copy number gain.
Change: copy number 4 of chr3:9,501,646-9,991,928 (490.3 kb, GRCh37 coordinates, 1-based), cytogenetic band 3p25.3.
Identifiers: ClinVar variation 1328451 (VCV001328451.4).

ClinVar aggregate classification (germline): Uncertain significance (1 of 4 stars; one submission).

Submission:

Illumina Laboratory Services, Illumina
Classification: Uncertain significance. Last evaluated: 2021-03-24. Review status: criteria provided, single submitter. Criteria: ICSL CNVClassificationCriteria Aug2020. Collection method: clinical testing. Allele origin: unknown.
Comment: This CNV is an inherited 490 kb duplication of 3p25.3, on chromosome 3, (seq[GRCh37]dup(3)(p25.3); chr3:g.9501646_9991928dup). The CNV constitutes a gain encompassing 18 genes. Patients with similar gains in this region have not been reported in the peer-reviewed literature. At least one individual is reported in the DECIPHER database who was noted to have a 618 kb de novo duplication that partially overlaps this CNV (Firth et al. 2009). In a developmental delay case-control cohort, a 494 kb duplication that parially overlaps this CNV was identified in a case, while a 371 kb duplication that is fully encompassed by this CNV was identified in a control individual (Coe et al. 2014). Additionally, ClinVar includes a 243 kb duplication that is fully encompassed within this CNV and classified as a variant of uncertain significance that was identified in an individual with atrioventricular septal defect, as well as a 400 kb duplication that is nearly fully encompassed within this CNV that is classified as likely benign (Landrum et al. 2016). Based on the limited evidence this variant is classified as a variant of uncertain significance.

Literature cited by the submitters: PubMed 19344873; PubMed 25217958; PubMed 26582918.